The following is an entry in ClinVar:

NM_000540.3(RYR1):c.10330T>G (p.Tyr3444Asp)

Gene: RYR1 (ryanodine receptor 1; plus strand). Cytogenetic location: 19q13.2.
Variant type: single nucleotide variant.
Coding change: c.10330T>G on transcript NM_000540.3 (MANE Select); coding-DNA position 10330, T replaced by G.
Protein change: p.Tyr3444Asp; replaces tyrosine 3444 with aspartic acid.
Molecular consequence: missense variant.
Genome position (GRCh38, 1-based): chr19:38,523,098, T>G. VCF-style: chr19-38523098-T-G. GRCh37 (hg19) VCF-style: chr19-39013738-T-G.
Other names: c.10330T>G, p.Tyr3444Asp (NM_001042723.2); short protein forms Y3444D.
Identifiers: ClinVar variation 2757290 (VCV002757290.3), dbSNP rs2514462741, ClinGen allele CA405698969.

ClinVar aggregate classification (germline): Uncertain significance (1 of 4 stars; one submission).

Conditions:
RYR1-related disorder. Also called: RYR1-related condition; RYR1-related disorders. Identifiers: MedGen CN239331.

Submission:

Labcorp Genetics (formerly Invitae), Labcorp
Classification: Uncertain significance for RYR1-related disorder. Last evaluated: 2023-12-07. Review status: criteria provided, single submitter. Criteria: Invitae Variant Classification Sherloc (09022015). Collection method: clinical testing. Allele origin: germline.
Comment: This sequence change replaces tyrosine, which is neutral and polar, with aspartic acid, which is acidic and polar, at codon 3444 of the RYR1 protein (p.Tyr3444Asp). This variant is not present in population databases (gnomAD no frequency). This variant has not been reported in the literature in individuals affected with RYR1-related conditions. Advanced modeling of protein sequence and biophysical properties (such as structural, functional, and spatial information, amino acid conservation, physicochemical variation, residue mobility, and thermodynamic stability) has been performed at Invitae for this missense variant, however the output from this modeling did not meet the statistical confidence thresholds required to predict the impact of this variant on RYR1 protein function. In summary, the available evidence is currently insufficient to determine the role of this variant in disease. Therefore, it has been classified as a Variant of Uncertain Significance.